The following is an entry in ClinVar:

ClinVar aggregate classification (germline): Uncertain significance (1 of 4 stars; one submission).

Submission:

Labcorp Genetics (formerly Invitae), Labcorp
Classification: Uncertain significance. Last evaluated: 2023-11-21. Review status: criteria provided, single submitter. Criteria: Invitae Variant Classification Sherloc (09022015). Collection method: clinical testing. Allele origin: germline.
Comment: This variant, c.2181_2210dup, results in the insertion of 10 amino acid(s) of the SON protein (p.Asn749_Ser758dup), but otherwise preserves the integrity of the reading frame. This variant is not present in population databases (gnomAD no frequency). This variant has not been reported in the literature in individuals affected with SON-related conditions. In summary, the available evidence is currently insufficient to determine the role of this variant in disease. Therefore, it has been classified as a Variant of Uncertain Significance.

NM_138927.4(SON):c.2181_2210dup (p.Ser758_Ser759insAsnThrMetAspSerGlnMetLeuAlaSer)

Gene: SON (SON DNA and RNA binding protein; plus strand). Cytogenetic location: 21q22.11.
Variant type: Duplication.
Coding change: c.2181_2210dup on transcript NM_138927.4 (MANE Select); coding-DNA positions 2181 to 2210, 30 bases duplicated (ATCCAACACCATGGACTCCCAAATGCTAGC).
Protein change: p.Ser758_Ser759insAsnThrMetAspSerGlnMetLeuAlaSer.
Molecular consequence: inframe insertion. On other transcripts: non-coding transcript variant (1), inframe indel (3), intron variant (1).
Genome position (GRCh38, 1-based): chr21:33,551,412-33,551,441, ATCCAACACCATGGACTCCCAAATGCTAGC duplicated; duplicating any 30 consecutive bases within chr21:33,551,408-33,551,441 gives the same sequence; the c. name uses the placement nearest the transcript's 3' end. VCF-style (leftmost placement, unchanged base first): chr21-33551407-T-TTAGCATCCAACACCATGGACTCCCAAATGC. GRCh37 (hg19) VCF-style: chr21-34923713-T-TTAGCATCCAACACCATGGACTCCCAAATGC.
Other names: c.2181_2210dup, p.Ser758_Ser759insAsnThrMetAspSerGlnMetLeuAlaSer (NM_001291411.2, NM_001412133.1, NM_032195.3 and 2 more transcripts); c.244+5033_244+5062dup (NM_001291412.3).
Identifiers: ClinVar variation 2842723 (VCV002842723.3), dbSNP rs2517360837, ClinGen allele CA2739267596.